The following is an entry in ClinVar:

NM_002439.5(MSH3):c.2503T>G (p.Phe835Val)

Gene: MSH3 (mutS homolog 3; plus strand). Cytogenetic location: 5q14.1.
Variant type: single nucleotide variant.
Coding change: c.2503T>G on transcript NM_002439.5 (MANE Select); coding-DNA position 2503, T replaced by G.
Protein change: p.Phe835Val; replaces phenylalanine 835 with valine.
Molecular consequence: missense variant.
Genome position (GRCh38, 1-based): chr5:80,787,632, T>G. VCF-style: chr5-80787632-T-G. GRCh37 (hg19) VCF-style: chr5-80083451-T-G.
Other names: short protein forms F835V.
Identifiers: ClinVar variation 4654948 (VCV004654948.2).

ClinVar aggregate classification (germline): Uncertain significance. Review status: criteria provided, multiple submitters, no conflicts (2 of 4 stars). 2 submissions from 2 submitters: Uncertain significance (2). Last evaluated 2025-11-28.

Conditions:
Hereditary cancer-predisposing syndrome. Also called: Neoplastic Syndromes, Hereditary; Tumor predisposition; Hereditary Cancer Syndrome; Hereditary neoplastic syndrome. Identifiers: Orphanet 140162, MedGen C0027672, MeSH D009386, MONDO:0015356.

Submissions (2):

Ambry Genetics
Classification: Uncertain significance for Hereditary cancer-predisposing syndrome. Last evaluated: 2025-11-28. Review status: criteria provided, single submitter. Criteria: Ambry Variant Classification Scheme 2023. Collection method: clinical testing. Allele origin: germline.
Comment: The p.F835V variant (also known as c.2503T>G), located in coding exon 18 of the MSH3 gene, results from a T to G substitution at nucleotide position 2503. The phenylalanine at codon 835 is replaced by valine, an amino acid with highly similar properties. This amino acid position is conserved. In addition, this alteration is predicted to be deleterious by in silico analysis. Based on the available evidence, the clinical significance of this variant remains unclear.

Labcorp Genetics (formerly Invitae), Labcorp
Classification: Uncertain significance. Last evaluated: 2025-09-15. Review status: criteria provided, single submitter. Criteria: Invitae Variant Classification Sherloc (09022015). Collection method: clinical testing. Allele origin: germline.
Comment: This sequence change replaces phenylalanine, which is neutral and non-polar, with valine, which is neutral and non-polar, at codon 835 of the MSH3 protein (p.Phe835Val). This variant is not present in population databases (gnomAD no frequency). This variant has not been reported in the literature in individuals affected with MSH3-related conditions. An algorithm developed to predict the effect of missense changes on protein structure and function (PolyPhen-2) suggests that this variant is likely to be disruptive. In summary, the available evidence is currently insufficient to determine the role of this variant in disease. Therefore, it has been classified as a Variant of Uncertain Significance.